The following is an entry in ClinVar:

NM_002691.4(POLD1):c.440A>G (p.Tyr147Cys)

Gene: POLD1 (DNA polymerase delta 1, catalytic subunit; plus strand). Cytogenetic location: 19q13.33.
Variant type: single nucleotide variant.
Coding change: c.440A>G on transcript NM_002691.4 (MANE Select); coding-DNA position 440, A replaced by G.
Protein change: p.Tyr147Cys; replaces tyrosine 147 with cysteine.
Molecular consequence: missense variant. On other transcripts: non-coding transcript variant (1).
Genome position (GRCh38, 1-based): chr19:50,401,901, A>G. VCF-style: chr19-50401901-A-G. GRCh37 (hg19) VCF-style: chr19-50905158-A-G.
Other names: c.440A>G, p.Tyr147Cys (NM_001256849.1, NM_001308632.1); c.440A>G (NM_002691.2); short protein forms Y147C.
Identifiers: ClinVar variation 857051 (VCV000857051.11), dbSNP rs2038651287, ClinGen allele CA406972690.

ClinVar aggregate classification (germline): Uncertain significance. Review status: criteria provided, multiple submitters, no conflicts (2 of 4 stars). 3 submissions from 3 submitters: Uncertain significance (3). Last evaluated 2026-05-31.

Conditions:
POLD1-related polyposis and colorectal cancer syndrome (CRCS10). Also called: Colorectal cancer 10; COLORECTAL CANCER, SUSCEPTIBILITY TO, ON CHROMOSOME 19q; Colorectal cancer, susceptibility to, 10. Identifiers: Orphanet 220460, MedGen C2675481, MONDO:0012953, OMIM 612591.
Hereditary cancer-predisposing syndrome. Also called: Tumor predisposition; Hereditary Cancer Syndrome; Hereditary neoplastic syndrome; Neoplastic Syndromes, Hereditary. Identifiers: Orphanet 140162, MedGen C0027672, MeSH D009386, MONDO:0015356.

Submissions (3):

Ambry Genetics
Classification: Uncertain significance for Hereditary cancer-predisposing syndrome. Last evaluated: 2026-05-31. Review status: criteria provided, single submitter. Criteria: Ambry Variant Classification Scheme 2023. Collection method: clinical testing. Allele origin: germline.
Comment: The p.Y147C variant (also known as c.440A>G), located in coding exon 3 of the POLD1 gene, results from an A to G substitution at nucleotide position 440. The tyrosine at codon 147 is replaced by cysteine, an amino acid with highly dissimilar properties. This amino acid position is conserved. In addition, the in silico prediction for this alteration is inconclusive. Based on the available evidence, the clinical significance of this variant remains unclear.

Labcorp Genetics (formerly Invitae), Labcorp
Classification: Uncertain significance for POLD1-related polyposis and colorectal cancer syndrome. Last evaluated: 2025-11-10. Review status: criteria provided, single submitter. Criteria: Invitae Variant Classification Sherloc (09022015). Collection method: clinical testing. Allele origin: germline.
Comment: This sequence change replaces tyrosine, which is neutral and polar, with cysteine, which is neutral and slightly polar, at codon 147 of the POLD1 protein (p.Tyr147Cys). This variant is not present in population databases (gnomAD no frequency). This variant has not been reported in the literature in individuals affected with POLD1-related conditions. ClinVar contains an entry for this variant (Variation ID: 857051). Invitae Evidence Modeling of protein sequence and biophysical properties (such as structural, functional, and spatial information, amino acid conservation, physicochemical variation, residue mobility, and thermodynamic stability) indicates that this missense variant is expected to disrupt POLD1 protein function with a positive predictive value of 80%. In summary, the available evidence is currently insufficient to determine the role of this variant in disease. Therefore, it has been classified as a Variant of Uncertain Significance.

GeneDx
Classification: Uncertain significance. Last evaluated: 2024-02-02. Review status: criteria provided, single submitter. Criteria: GeneDx Variant Classification Process June 2021. Collection method: clinical testing. Allele origin: germline. Affected: yes.
Comment: Not observed at significant frequency in large population cohorts (gnomAD); In silico analysis supports that this missense variant has a deleterious effect on protein structure/function; Has not been previously published as pathogenic or benign to our knowledge